The following is an entry in ClinVar:

ClinVar aggregate classification (germline): Uncertain significance (1 of 4 stars; one submission).

Allele frequency attached by ClinVar (database versions not stated): gnomAD 0.00001.
gnomAD v4.1: 2 of 1,591,846 alleles (0.00013%); highest among the groups gnomAD compares: Admixed American, 0.0018%; no homozygotes.

Submission:

Labcorp Genetics (formerly Invitae), Labcorp
Classification: Uncertain significance. Last evaluated: 2023-08-04. Review status: criteria provided, single submitter. Criteria: Invitae Variant Classification Sherloc (09022015). Collection method: clinical testing. Allele origin: germline.
Comment: In summary, the available evidence is currently insufficient to determine the role of this variant in disease. Therefore, it has been classified as a Variant of Uncertain Significance. An algorithm developed to predict the effect of missense changes on protein structure and function (PolyPhen-2) suggests that this variant is likely to be tolerated. ClinVar contains an entry for this variant (Variation ID: 2104821). This variant has not been reported in the literature in individuals affected with IFT74-related conditions. This variant is not present in population databases (gnomAD no frequency). This sequence change replaces histidine, which is basic and polar, with tyrosine, which is neutral and polar, at codon 539 of the IFT74 protein (p.His539Tyr).

NM_025103.4(IFT74):c.1615C>T (p.His539Tyr)

Gene: IFT74 (intraflagellar transport 74; plus strand). Cytogenetic location: 9p21.2.
Variant type: single nucleotide variant.
Coding change: c.1615C>T on transcript NM_025103.4 (MANE Select); coding-DNA position 1615, C replaced by T.
Protein change: p.His539Tyr; replaces histidine 539 with tyrosine.
Molecular consequence: missense variant.
Genome position (GRCh38, 1-based): chr9:27,056,451, C>T. VCF-style: chr9-27056451-C-T. GRCh37 (hg19) VCF-style: chr9-27056449-C-T.
Other names: c.1615C>T, p.His539Tyr (NM_001099222.3, NM_001099223.3, NM_001349928.2); short protein forms H539Y.
Identifiers: ClinVar variation 2104821 (VCV002104821.4), dbSNP rs1820162828, ClinGen allele CA373129189.